The following is an entry in ClinVar:

ClinVar aggregate classification (germline): Uncertain significance (1 of 4 stars; one submission).

Conditions:
Tay-Sachs disease (TSD). Also called: HEXA DEFICIENCY; GM2 gangliosidosis, type 1; Hexosaminidase alpha-subunit deficiency (variant B); Sphingolipidosis, Tay-Sachs; HEXA Disorders; Hexosaminidase A Deficiency. Identifiers: Orphanet 845, MedGen C0039373, MONDO:0010100, OMIM 272800.

Submission:

Labcorp Genetics (formerly Invitae), Labcorp
Classification: Uncertain significance for Tay-Sachs disease. Last evaluated: 2019-07-31. Review status: criteria provided, single submitter. Criteria: Invitae Variant Classification Sherloc (09022015). Collection method: clinical testing. Allele origin: germline.
Comment: In summary, the available evidence is currently insufficient to determine the role of this variant in disease. Therefore, it has been classified as a Variant of Uncertain Significance. This sequence change replaces leucine with proline at codon 181 of the HEXA protein (p.Leu181Pro). The leucine residue is highly conserved and there is a moderate physicochemical difference between leucine and proline. This variant is not present in population databases (ExAC no frequency). This variant has not been reported in the literature in individuals with HEXA-related conditions. Algorithms developed to predict the effect of missense changes on protein structure and function are either unavailable or do not agree on the potential impact of this missense change (SIFT: "Deleterious"; PolyPhen-2: "Probably Damaging"; Align-GVGD: "Class C0").

NM_000520.6(HEXA):c.542T>C (p.Leu181Pro)

Gene: HEXA (hexosaminidase subunit alpha; minus strand). Cytogenetic location: 15q23.
Variant type: single nucleotide variant.
Coding change: c.542T>C on transcript NM_000520.6 (MANE Select); coding-DNA position 542, T replaced by C.
Protein change: p.Leu181Pro; replaces leucine 181 with proline.
Molecular consequence: missense variant. On other transcripts: non-coding transcript variant (1).
Genome position (GRCh38, 1-based): chr15:72,353,096, A>G on the plus strand (T>C on the coding strand, the complement: HEXA is on the minus strand). VCF-style: chr15-72353096-A-G. GRCh37 (hg19) VCF-style: chr15-72645437-A-G.
Other names: c.575T>C, p.Leu192Pro (NM_001318825.2); short protein forms L181P, L192P.
Identifiers: ClinVar variation 934937 (VCV000934937.9), dbSNP rs2088722634, ClinGen allele CA393064705.